The following is an entry in ClinVar:

NM_004612.4(TGFBR1):c.465C>G (p.His155Gln)

Gene: TGFBR1 (transforming growth factor beta receptor 1; plus strand). Cytogenetic location: 9q22.33.
Variant type: single nucleotide variant.
Coding change: c.465C>G on transcript NM_004612.4 (MANE Select); coding-DNA position 465, C replaced by G.
Protein change: p.His155Gln; replaces histidine 155 with glutamine.
Molecular consequence: missense variant. On other transcripts: non-coding transcript variant (4), intron variant (3).
Genome position (GRCh38, 1-based): chr9:99,132,630, C>G. VCF-style: chr9-99132630-C-G. GRCh37 (hg19) VCF-style: chr9-101894912-C-G.
Other names: c.477C>G, p.His159Gln (NM_001306210.2, NM_001407416.1); c.465C>G, p.His155Gln (NM_001407417.1, NM_001407435.1); c.270C>G, p.His90Gln (NM_001407418.1, NM_001407419.1, NM_001407420.1 and 1 more transcripts); c.258C>G, p.His86Gln (NM_001407423.1, NM_001407424.1, NM_001407425.1 and 8 more transcripts); c.219C>G, p.His73Gln (NM_001407436.1); c.343+3530C>G (NM_001130916.3); c.98-5229C>G (NM_001407438.1); c.98-9906C>G (NM_001407437.1); short protein forms H155Q, H159Q, H73Q, H86Q, H90Q.
Identifiers: ClinVar variation 4865655 (VCV004865655.1).

ClinVar aggregate classification (germline): Uncertain significance (1 of 4 stars; one submission).

Conditions:
Familial thoracic aortic aneurysm and aortic dissection (TAAD). Also called: Thoracic aortic aneurysms and dissections. Identifiers: Orphanet 91387, MedGen C4707243, MONDO:0019625.

gnomAD v4.1: 1 of 1,614,186 alleles (0.000062%); highest among the groups gnomAD compares: African/African-American, 0.0013%; no homozygotes.

Submission:

Ambry Genetics
Classification: Uncertain significance for Familial thoracic aortic aneurysm and aortic dissection. Last evaluated: 2026-04-27. Review status: criteria provided, single submitter. Criteria: Ambry Variant Classification Scheme 2023. Collection method: clinical testing. Allele origin: germline.
Comment: The p.H155Q variant (also known as c.465C>G), located in coding exon 3 of the TGFBR1 gene, results from a C to G substitution at nucleotide position 465. The histidine at codon 155 is replaced by glutamine, an amino acid with highly similar properties. This amino acid position is conserved. In addition, the in silico prediction for this alteration is inconclusive. Based on the available evidence, the clinical significance of this variant remains unclear.